The following is an entry in ClinVar:

ClinVar aggregate classification (germline): Likely benign (1 of 4 stars; one submission).

Allele frequency attached by ClinVar (database versions not stated): gnomAD 0.00544; TOPMed 0.00559; 1000 Genomes Project 0.00719; 1000 Genomes Project 30x 0.00734.
gnomAD v4.1: 782 of 152,220 alleles (0.51%); highest among the groups gnomAD compares: African/African-American, 1.7%; 5 homozygotes.

Submission:

GeneDx
Classification: Likely benign. Last evaluated: 2018-06-19. Review status: criteria provided, single submitter. Criteria: GeneDx Variant Classification (06012015). Collection method: clinical testing. Allele origin: germline. Affected: yes.
Comment: This variant is considered likely benign or benign based on one or more of the following criteria: it is a conservative change, it occurs at a poorly conserved position in the protein, it is predicted to be benign by multiple in silico algorithms, and/or has population frequency not consistent with disease.

NM_001134363.3(RBM20):c.2550+268G>A

Gene: RBM20 (RNA binding motif protein 20; plus strand). Cytogenetic location: 10q25.2.
Variant type: single nucleotide variant.
Coding change: c.2550+268G>A on transcript NM_001134363.3 (MANE Select); 268 bases into the intron after coding-DNA position 2550, G replaced by A.
Molecular consequence: intron variant.
Genome position (GRCh38, 1-based): chr10:110,813,215, G>A. VCF-style: chr10-110813215-G-A. GRCh37 (hg19) VCF-style: chr10-112572973-G-A.
Identifiers: ClinVar variation 674117 (VCV000674117.1), dbSNP rs79492956, ClinGen allele CA213224723.
Genomic context (GRCh38, chr10:110,813,215, plus strand): 5'-GTTACTGCAGGTGAGGAGACTGAGGCACAGAGAACTTACGTTATTTGTCCAAGAACACAC[G>A]GTCAGGAAATGGCAGACCCAGAATTATACCAAGGAGATCTGGCCCCAAATCCCATGGCAC-3'